The following is an entry in ClinVar:

ClinVar aggregate classification (germline): Uncertain significance (1 of 4 stars; one submission).

Conditions:
Leukodystrophy, hypomyelinating, 6. Also called: LEUKODYSTROPHY, HYPOMYELINATING, WITH ATROPHY OF THE BASAL GANGLIA AND CEREBELLUM; TUBB4A-Associated Leukodystrophy; Hypomyelination with Atrophy of Basal Ganglia and Cerebellum (H-ABC). Identifiers: Orphanet 139441, MedGen C2676244, MONDO:0012905, OMIM 612438.

Allele frequency attached by ClinVar (database versions not stated): gnomAD exomes below 0.00001; ExAC 0.00002.
gnomAD v4.1: 8 of 1,614,216 alleles (0.0005%); highest among the groups gnomAD compares: South Asian, 0.0011%; no homozygotes.

Submission:

Labcorp Genetics (formerly Invitae), Labcorp
Classification: Uncertain significance for Leukodystrophy, hypomyelinating, 6. Last evaluated: 2024-01-12. Review status: criteria provided, single submitter. Criteria: Invitae Variant Classification Sherloc (09022015). Collection method: clinical testing. Allele origin: germline.
Comment: This sequence change replaces valine, which is neutral and non-polar, with methionine, which is neutral and non-polar, at codon 342 of the TUBB4A protein (p.Val342Met). The frequency data for this variant in the population databases is considered unreliable, as metrics indicate poor data quality at this position in the gnomAD database. This variant has not been reported in the literature in individuals affected with TUBB4A-related conditions. Advanced modeling of protein sequence and biophysical properties (such as structural, functional, and spatial information, amino acid conservation, physicochemical variation, residue mobility, and thermodynamic stability) performed at Invitae indicates that this missense variant is not expected to disrupt TUBB4A protein function with a negative predictive value of 80%. In summary, the available evidence is currently insufficient to determine the role of this variant in disease. Therefore, it has been classified as a Variant of Uncertain Significance.

NM_006087.4(TUBB4A):c.1024G>A (p.Val342Met)

Gene: TUBB4A (tubulin beta 4A class IVa; minus strand). Cytogenetic location: 19p13.3.
Variant type: single nucleotide variant.
Coding change: c.1024G>A on transcript NM_006087.4 (MANE Select); coding-DNA position 1024, G replaced by A.
Protein change: p.Val342Met; replaces valine 342 with methionine.
Molecular consequence: missense variant.
Genome position (GRCh38, 1-based): chr19:6,495,475, C>T on the plus strand (G>A on the coding strand, the complement: TUBB4A is on the minus strand). VCF-style: chr19-6495475-C-T. GRCh37 (hg19) VCF-style: chr19-6495486-C-T.
Other names: c.1177G>A, p.Val393Met (NM_001289123.2); c.1159G>A, p.Val387Met (NM_001289127.2); c.1024G>A, p.Val342Met (NM_001289129.2); c.808G>A, p.Val270Met (NM_001289130.2, NM_001289131.2); short protein forms V270M, V342M, V393M, V387M.
Identifiers: ClinVar variation 2900834 (VCV002900834.3), dbSNP rs754036226, ClinGen allele CA9127288.